The following is an entry in ClinVar:

NM_005726.6(TSFM):c.484-175C>T

Gene: TSFM (Ts translation elongation factor, mitochondrial; plus strand). Cytogenetic location: 12q14.1.
Variant type: single nucleotide variant.
Coding change: c.484-175C>T on transcript NM_005726.6 (MANE Select); 175 bases into the intron before coding-DNA position 484, C replaced by T.
Molecular consequence: intron variant.
Genome position (GRCh38, 1-based): chr12:57,792,811, C>T. VCF-style: chr12-57792811-C-T. GRCh37 (hg19) VCF-style: chr12-58186594-C-T.
Other names: c.484-175C>T (NM_001172697.2); c.547-175C>T (NM_001172696.2); c.484-3366C>T (NM_001172695.2).
Identifiers: ClinVar variation 678633 (VCV000678633.1), dbSNP rs4301823, ClinGen allele CA13668394.

ClinVar aggregate classification (germline): Benign (1 of 4 stars; one submission).

Allele frequency attached by ClinVar (database versions not stated): TOPMed 0.24672; gnomAD 0.26435 and 0.27134; 1000 Genomes Project 30x 0.32214; 1000 Genomes Project 0.33446.
gnomAD v4.1: 40,239 of 152,026 alleles (26%); highest among the groups gnomAD compares: East Asian, 65%; 6,706 homozygotes.

Submission:

GeneDx
Classification: Benign. Last evaluated: 2018-06-14. Review status: criteria provided, single submitter. Criteria: GeneDx Variant Classification (06012015). Collection method: clinical testing. Allele origin: germline. Affected: yes.
Comment: This variant is considered likely benign or benign based on one or more of the following criteria: it is a conservative change, it occurs at a poorly conserved position in the protein, it is predicted to be benign by multiple in silico algorithms, and/or has population frequency not consistent with disease.